The following is an entry in ClinVar:

NM_017780.4(CHD7):c.8188G>A (p.Ala2730Thr)

Gene: CHD7 (chromodomain helicase DNA binding protein 7; plus strand). Cytogenetic location: 8q12.2.
Variant type: single nucleotide variant.
Coding change: c.8188G>A on transcript NM_017780.4 (MANE Select); coding-DNA position 8188, G replaced by A.
Protein change: p.Ala2730Thr; replaces alanine 2730 with threonine.
Molecular consequence: missense variant.
Genome position (GRCh38, 1-based): chr8:60,865,127, G>A. VCF-style: chr8-60865127-G-A. GRCh37 (hg19) VCF-style: chr8-61777686-G-A.
Other names: c.2041G>A, p.Ala681Thr (NM_001316690.1); c.8188G>A (NM_017780.3); short protein forms A2730T, A681T.
Identifiers: ClinVar variation 1509946 (VCV001509946.10), dbSNP rs757707495, ClinGen allele CA4760961.

ClinVar aggregate classification (germline): Conflicting classifications of pathogenicity. Review status: criteria provided, conflicting classifications (1 of 4 stars). 3 submissions from 3 submitters: Uncertain significance (1); Benign (1); Likely benign (1). Last evaluated 2026-02-09.

Conditions:
Hypogonadotropic hypogonadism 5 with or without anosmia (KAL5). Also called: HYPOGONADOTROPIC HYPOGONADISM 5 WITH ANOSMIA; HYPOGONADOTROPHIC HYPOGONADISM 5 WITHOUT ANOSMIA; CHD7-Related GnRH Deficiency (Kallmann Syndrome 5). Identifiers: Orphanet 478, MedGen C3552553, MONDO:0012880, OMIM 612370. Disease mechanism: loss of function.
CHARGE syndrome (CHARGE). Also called: Coloboma, heart anomaly, choanal atresia, retardation, genital and ear anomalies; CHARGE association; Hall-Hittner syndrome; Hittner Hirsch Kreh syndrome; CHARGE ASSOCIATION--COLOBOMA, HEART ANOMALY, CHOANAL ATRESIA, RETARDATION, GENITAL AND EAR ANOMALIES. Identifiers: Orphanet 138, MedGen C0265354, MONDO:0008965.
CHD7-related disorder. Also called: CHD7-related condition.

Allele frequency attached by ClinVar (database versions not stated): gnomAD exomes 0.00001; TOPMed 0.00001; gnomAD 0.00002; ExAC 0.00003.
gnomAD v4.1: 15 of 1,610,572 alleles (0.00093%); highest among the groups gnomAD compares: African/African-American, 0.004%; no homozygotes.

Submissions (3):

PreventionGenetics, part of Exact Sciences
Classification: Uncertain significance for CHD7-related condition. Last evaluated: 2026-02-09. Review status: criteria provided, single submitter. Criteria: ACMG Guidelines, 2015. Collection method: clinical testing. Allele origin: germline.
Comment: The CHD7 c.8188G>A variant is predicted to result in the amino acid substitution p.Ala2730Thr. This variant was reported in two individuals with congenital hypogonadotropic hypogonadism (Table S2, Cassatella et al. 2018. PubMed ID: 29419413; Table S2, Federici et al. 2022. PubMed ID: 36531499). This variant is reported in 0.0087% of alleles in individuals of African descent in gnomAD. At this time, the clinical significance of this variant is uncertain due to the absence of conclusive functional and genetic evidence.

Labcorp Genetics (formerly Invitae), Labcorp
Classification: Benign for CHARGE syndrome. Last evaluated: 2025-07-21. Review status: criteria provided, single submitter. Criteria: Invitae Variant Classification Sherloc (09022015). Collection method: clinical testing. Allele origin: germline.

Fulgent Genetics
Classification: Likely benign for CHD7-related CHARGE syndrome; Hypogonadotropic hypogonadism 5 with or without anosmia. Last evaluated: 2024-06-15. Review status: criteria provided, single submitter. Criteria: ACMG Guidelines, 2015. Collection method: clinical testing. Allele origin: germline.